The following is an entry in ClinVar:

ClinVar aggregate classification (germline): Uncertain significance (1 of 4 stars; one submission).

Submission:

Labcorp Genetics (formerly Invitae), Labcorp
Classification: Uncertain significance. Last evaluated: 2023-07-28. Review status: criteria provided, single submitter. Criteria: Invitae Variant Classification Sherloc (09022015). Collection method: clinical testing. Allele origin: germline.
Comment: In summary, the available evidence is currently insufficient to determine the role of this variant in disease. Therefore, it has been classified as a Variant of Uncertain Significance. Advanced modeling of protein sequence and biophysical properties (such as structural, functional, and spatial information, amino acid conservation, physicochemical variation, residue mobility, and thermodynamic stability) performed at Invitae indicates that this missense variant is not expected to disrupt PCDH15 protein function. This variant has not been reported in the literature in individuals affected with PCDH15-related conditions. This variant is not present in population databases (gnomAD no frequency). This sequence change replaces valine, which is neutral and non-polar, with alanine, which is neutral and non-polar, at codon 706 of the PCDH15 protein (p.Val706Ala).

NM_001384140.1(PCDH15):c.2117T>C (p.Val706Ala)

Gene: PCDH15 (protocadherin related 15; minus strand). Cytogenetic location: 10q21.1.
Variant type: single nucleotide variant.
Coding change: c.2117T>C on transcript NM_001384140.1 (MANE Select); coding-DNA position 2117, T replaced by C.
Protein change: p.Val706Ala; replaces valine 706 with alanine.
Molecular consequence: missense variant.
Genome position (GRCh38, 1-based): chr10:54,066,860, A>G on the plus strand (T>C on the coding strand, the complement: PCDH15 is on the minus strand). VCF-style: chr10-54066860-A-G. GRCh37 (hg19) VCF-style: chr10-55826620-A-G.
Other names: c.2132T>C, p.Val711Ala (NM_001142763.2, NM_001142771.2); c.2117T>C, p.Val706Ala (NM_001142764.2, NM_001142766.2, NM_001142770.3 and 5 more transcripts); c.1904T>C, p.Val635Ala (NM_001142765.2); c.2006T>C, p.Val669Ala (NM_001142767.2); c.2051T>C, p.Val684Ala (NM_001142768.2, NM_001142773.2, NM_001354404.2); c.2153T>C, p.Val718Ala (NM_001142769.4); c.2138T>C, p.Val713Ala (NM_001354411.2); short protein forms V684A, V711A, V718A, V713A, V635A, V669A, V706A.
Identifiers: ClinVar variation 2788145 (VCV002788145.2), dbSNP rs2539768319, ClinGen allele CA376517366.
Genomic context (GRCh38, chr10:54,066,860, plus strand): 5'-GATAAATTTCTTGGCAGATAAGGATCAAACACTGGAGCATTGTCATTGACATCTGTCACC[A>G]CTATGTTTACTGTGGCAGTTGAGGTCTTAAAGAAAAACACAAGCATTAAATGTGAGAGGA-3'
Protein context (NP_001371069.1, residues 696-716): DGTSTATVNI[Val706Ala]VTDVNDNAPV